The following is an entry in ClinVar:

ClinVar aggregate classification (germline): Likely benign (0 of 4 stars; one submission).

Conditions:
ATP13A3-related disorder. Also called: ATP13A3-related condition.

Allele frequency attached by ClinVar (database versions not stated): gnomAD 0.00001; gnomAD exomes 0.00001; TOPMed 0.00005; ExAC 0.00009.
gnomAD v4.1: 20 of 1,609,462 alleles (0.0012%); highest among the groups gnomAD compares: Admixed American, 0.032%; no homozygotes.

Submission:

PreventionGenetics, part of Exact Sciences
Classification: Likely benign for ATP13A3-related condition. Last evaluated: 2020-09-04. Review status: no assertion criteria provided. Collection method: clinical testing. Allele origin: germline.
Comment: This variant is classified as likely benign based on ACMG/AMP sequence variant interpretation guidelines (Richards et al. 2015 PMID: 25741868, with internal and published modifications).

NM_001367549.1(ATP13A3):c.1560-5C>T

Gene: ATP13A3 (ATPase 13A3; minus strand). Cytogenetic location: 3q29.
Variant type: single nucleotide variant.
Coding change: c.1560-5C>T on transcript NM_001367549.1 (MANE Select); 5 bases into the intron before coding-DNA position 1560, C replaced by T.
Molecular consequence: intron variant.
Genome position (GRCh38, 1-based): chr3:194,441,466, G>A on the plus strand (C>T on the coding strand, the complement: ATP13A3 is on the minus strand). VCF-style: chr3-194441466-G-A. GRCh37 (hg19) VCF-style: chr3-194162195-G-A.
Other names: c.1479-5C>T (NM_001374836.1); c.1560-5C>T (NM_024524.4).
Identifiers: ClinVar variation 3054379 (VCV003054379.2), dbSNP rs777081629, ClinGen allele CA2761941.